The following is an entry in ClinVar:

ClinVar aggregate classification (germline): Uncertain significance (1 of 4 stars; one submission).

Conditions:
Fanconi anemia (FA). Also called: Fanconi's anemia. Identifiers: Orphanet 84, MedGen C0015625, MeSH D005199, MONDO:0019391.

Allele frequency attached by ClinVar (database versions not stated): gnomAD exomes below 0.00001; ExAC 0.00001.
gnomAD v4.1: 2 of 1,614,154 alleles (0.00012%); highest among the groups gnomAD compares: Non-Finnish European, 0.00017%; no homozygotes.

Submission:

Labcorp Genetics (formerly Invitae), Labcorp
Classification: Uncertain significance for Fanconi anemia. Last evaluated: 2021-09-01. Review status: criteria provided, single submitter. Criteria: Invitae Variant Classification Sherloc (09022015). Collection method: clinical testing. Allele origin: germline.
Comment: This sequence change replaces alanine with threonine at codon 1347 of the FANCA protein (p.Ala1347Thr). The alanine residue is weakly conserved and there is a small physicochemical difference between alanine and threonine. This variant is present in population databases (rs751928369, ExAC 0.002%). This variant has not been reported in the literature in individuals affected with FANCA-related conditions. Algorithms developed to predict the effect of missense changes on protein structure and function output the following: SIFT: "Tolerated"; PolyPhen-2: "Possibly Damaging"; Align-GVGD: "Class C0". The threonine amino acid residue is found in multiple mammalian species, which suggests that this missense change does not adversely affect protein function. In summary, the available evidence is currently insufficient to determine the role of this variant in disease. Therefore, it has been classified as a Variant of Uncertain Significance.

NM_000135.4(FANCA):c.4039G>A (p.Ala1347Thr)

Genes: ZNF276 (zinc finger protein 276; plus strand), FANCA (FA complementation group A; minus strand). Cytogenetic location: 16q24.3.
Variant type: single nucleotide variant.
Coding change: c.4039G>A on transcript NM_000135.4 (MANE Select); coding-DNA position 4039, G replaced by A.
Protein change: p.Ala1347Thr; replaces alanine 1347 with threonine.
Molecular consequence: missense variant. On other transcripts: 3 prime UTR variant (2), non-coding transcript variant (4).
Genome position (GRCh38, 1-based): chr16:89,739,261, C>T on the plus strand (G>A on the coding strand, the complement: FANCA is on the minus strand). VCF-style: chr16-89739261-C-T. GRCh37 (hg19) VCF-style: chr16-89805669-C-T.
Other names: c.4039G>A, p.Ala1347Thr (NM_001286167.3); c.*1015C>T (NM_001113525.2, NM_152287.4); short protein forms A1347T.
Identifiers: ClinVar variation 645069 (VCV000645069.6), dbSNP rs751928369, ClinGen allele CA8250803.